The following is an entry in ClinVar:

NM_014915.3(ANKRD26):c.952G>A (p.Val318Ile)

Gene: ANKRD26 (ankyrin repeat domain 26; minus strand). Cytogenetic location: 10p12.1.
Variant type: single nucleotide variant.
Coding change: c.952G>A on transcript NM_014915.3 (MANE Select); coding-DNA position 952, G replaced by A.
Protein change: p.Val318Ile; replaces valine 318 with isoleucine.
Molecular consequence: missense variant.
Genome position (GRCh38, 1-based): chr10:27,077,463, C>T on the plus strand (G>A on the coding strand, the complement: ANKRD26 is on the minus strand). VCF-style: chr10-27077463-C-T. GRCh37 (hg19) VCF-style: chr10-27366392-C-T.
Other names: c.952G>A, p.Val318Ile (NM_001256053.2); short protein forms V318I.
Identifiers: ClinVar variation 4102823 (VCV004102823.2).

ClinVar aggregate classification (germline): Uncertain significance. Review status: criteria provided, multiple submitters, no conflicts (2 of 4 stars). 2 submissions from 2 submitters: Uncertain significance (2). Last evaluated 2025-06-20.

Conditions:
Inborn genetic diseases. Identifiers: MedGen C0950123, MeSH D030342.

gnomAD v4.1: 2 of 1,614,110 alleles (0.00012%); highest among the groups gnomAD compares: Admixed American, 0.0033%; no homozygotes.

Submissions (2):

Ambry Genetics
Classification: Uncertain significance for Inborn genetic diseases. Last evaluated: 2025-06-20. Review status: criteria provided, single submitter. Criteria: Ambry Variant Classification Scheme 2023. Collection method: clinical testing. Allele origin: germline.
Comment: The p.V318I variant (also known as c.952G>A), located in coding exon 9 of the ANKRD26 gene, results from a G to A substitution at nucleotide position 952. The valine at codon 318 is replaced by isoleucine, an amino acid with highly similar properties. This amino acid position is conserved. In addition, this alteration is predicted to be tolerated by in silico analysis. Based on the available evidence, the clinical significance of this variant remains unclear.

Labcorp Genetics (formerly Invitae), Labcorp
Classification: Uncertain significance. Last evaluated: 2025-02-13. Review status: criteria provided, single submitter. Criteria: Invitae Variant Classification Sherloc (09022015). Collection method: clinical testing. Allele origin: germline.
Comment: This sequence change replaces valine, which is neutral and non-polar, with isoleucine, which is neutral and non-polar, at codon 318 of the ANKRD26 protein (p.Val318Ile). This variant is not present in population databases (gnomAD no frequency). This variant has not been reported in the literature in individuals affected with ANKRD26-related conditions. An algorithm developed to predict the effect of missense changes on protein structure and function (PolyPhen-2) suggests that this variant is likely to be tolerated. In summary, the available evidence is currently insufficient to determine the role of this variant in disease. Therefore, it has been classified as a Variant of Uncertain Significance.